The following is an entry in ClinVar:

ClinVar aggregate classification (germline): Conflicting classifications of pathogenicity. Review status: criteria provided, conflicting classifications (1 of 4 stars). 3 submissions from 3 submitters: Uncertain significance (2); Likely benign (1). Last evaluated 2026-09-09.

Conditions:
TTN-related disorder. Also called: TTN-related condition; TTN-related disease; TTN-related disorders.

gnomAD v4.1: 167 of 1,612,882 alleles (0.01%); highest among the groups gnomAD compares: East Asian, 0.038%; no homozygotes.

Submissions (3):

PreventionGenetics, part of Exact Sciences
Classification: Uncertain significance for TTN-related condition. Last evaluated: 2026-09-09. Review status: criteria provided, single submitter. Criteria: ACMG Guidelines, 2015. Collection method: clinical testing. Allele origin: germline.
Comment: The TTN c.11311+2359G>A variant is predicted to interfere with splicing. This variant is also referred to as c.11635G>A (p.Ala3879Thr) in the Novex-3 transcript NM_133379. This variant is located in exon 46 of the Novex-3 transcript (minor small cardiac isoform) which is the last exon of this transcript. This exon is not included in any other TTN transcripts (principle cardiac or skeletal muscle isoforms). To our knowledge, this variant has not been reported in the literature. This variant is reported in 0.080% of alleles in individuals of European (Finnish) descent in gnomAD. Although we suspect that this variant may be benign, at this time, the clinical significance of this variant is uncertain due to the absence of conclusive functional and genetic evidence.

ARUP Laboratories, Molecular Genetics and Genomics, ARUP Laboratories
Classification: Uncertain significance. Last evaluated: 2025-02-28. Review status: criteria provided, single submitter. Criteria: ARUP Molecular Germline Variant Investigation Process 2024. Collection method: clinical testing. Allele origin: germline.
Comment: The TTN c.11635G>A; p.Ala3879Thr variant (rs769733988) is rare in the general population (<0.2% allele frequency in the Genome Aggregation Database) and has not been reported in the medical literature in association with dilated cardiomyopathy (DCM) or other TTN-related disease. The clinical relevance of rare missense variants in this gene, which are identified on average once per individual sequenced in affected populations (Herman 2012), is not well understood. Yet, evidence suggests that the vast majority of such missense variants do not contribute to the clinical outcome of DCM (Begay 2015). Thus, the clinical significance of the p.Ala3879Thr variant cannot be determined with certainty. References: Begay RL et al. Role of Titin Missense Variants in Dilated Cardiomyopathy. J Am Heart Assoc. 2015 Nov 13;4(11). PMID: 26567375. Herman DS et al. Truncations of titin causing dilated cardiomyopathy. N Engl J Med. 2012 Feb 16;366(7):619-28. PMID: 22335739.

Blueprint Genetics
Classification: Likely benign. Last evaluated: 2024-09-17. Review status: criteria provided, single submitter. Criteria: ACMG Guidelines, 2015. Collection method: clinical testing. Allele origin: germline.

NM_001267550.2(TTN):c.11311+2359G>A

Gene: TTN (titin; minus strand). Cytogenetic location: 2q31.2.
Variant type: single nucleotide variant.
Coding change: c.11311+2359G>A on transcript NM_001267550.2 (MANE Select); 2359 bases into the intron after coding-DNA position 11311, G replaced by A.
Molecular consequence: intron variant. On other transcripts: missense variant (1).
Genome position (GRCh38, 1-based): chr2:178,750,765, C>T on the plus strand (G>A on the coding strand, the complement: TTN is on the minus strand). VCF-style: chr2-178750765-C-T. GRCh37 (hg19) VCF-style: chr2-179615492-C-T.
Other names: c.11635G>A, p.Ala3879Thr (NM_133379.5); c.10222+2359G>A (NM_003319.4); c.10798+2359G>A (NM_133437.4); c.10597+2359G>A (NM_133432.3); c.10360+2359G>A (NM_133378.4, NM_001256850.1); short protein forms A3879T.
Identifiers: ClinVar variation 4685651 (VCV004685651.3).